The following is an entry in ClinVar:

NM_001164508.2(NEB):c.9631G>C (p.Glu3211Gln)

Gene: NEB (nebulin; minus strand). Cytogenetic location: 2q23.3.
Variant type: single nucleotide variant.
Coding change: c.9631G>C on transcript NM_001164508.2 (MANE Select); coding-DNA position 9631, G replaced by C.
Protein change: p.Glu3211Gln; replaces glutamic acid 3211 with glutamine.
Molecular consequence: missense variant.
Genome position (GRCh38, 1-based): chr2:151,630,807, C>G on the plus strand (G>C on the coding strand, the complement: NEB is on the minus strand). VCF-style: chr2-151630807-C-G. GRCh37 (hg19) VCF-style: chr2-152487321-C-G.
Other names: c.9631G>C, p.Glu3211Gln (NM_001164507.2, NM_001271208.2); c.8902G>C, p.Glu2968Gln (NM_004543.5); short protein forms E2968Q, E3211Q.
Identifiers: ClinVar variation 2651433 (VCV002651433.24), dbSNP rs757944456, ClinGen allele CA1909248.
Genomic context (GRCh38, chr2:151,630,807, plus strand): 5'-ACATAATCTCTGGTGTATCAGGCATTATGTGAATTTGAGTCTTGTCTTTGTCCCAGGCCT[C>G]TGTGTATAAACGCTATAAAAGAAGATAAGATGCTGATTAAAAATCATTTGAAATAGAAAT-3'
Protein context (NP_001157980.2, residues 3201-3221): ALNMNKRLYT[Glu3211Gln]AWDKDKTQIH

ClinVar aggregate classification (germline): Likely benign (1 of 4 stars; one submission).

gnomAD v4.1: 1 of 1,607,646 alleles (0.000062%); highest among the groups gnomAD compares: Non-Finnish European, 0.000085%; no homozygotes.

Submission:

CeGaT Center for Human Genetics Tuebingen
Classification: Likely benign. Last evaluated: 2022-09-01. Review status: criteria provided, single submitter. Criteria: CeGaT Center For Human Genetics Tuebingen Variant Classification Criteria Version 2. Collection method: clinical testing. Allele origin: germline. Affected: yes. Observed: 1 variant allele.
Comment: NEB: BP4